The following is an entry in ClinVar:

ClinVar aggregate classification (germline): Likely benign. Review status: criteria provided, multiple submitters, no conflicts (2 of 4 stars). 4 submissions from 4 submitters: Likely benign (3). 1 of the submissions does not count toward it. Last evaluated 2026-01-23.

Conditions:
ZNF469-related disorder. Also called: ZNF469-related condition.
Cardiovascular phenotype. Identifiers: MedGen CN230736.

Allele frequency attached by ClinVar (database versions not stated): gnomAD exomes 0.00005; ExAC 0.00006; 1000 Genomes Project 30x 0.00016; gnomAD 0.00019; TOPMed 0.00022.
gnomAD v4.1: 104 of 1,548,212 alleles (0.0067%); highest among the groups gnomAD compares: African/African-American, 0.057%; no homozygotes.

Submissions (4):

Labcorp Genetics (formerly Invitae), Labcorp
Classification: Likely benign. Last evaluated: 2026-01-23. Review status: criteria provided, single submitter. Criteria: Invitae Variant Classification Sherloc (09022015). Collection method: clinical testing. Allele origin: germline.

CeGaT Center for Human Genetics Tuebingen
Classification: Likely benign. Last evaluated: 2025-03-01. Review status: criteria provided, single submitter. Criteria: CeGaT Center For Human Genetics Tuebingen Variant Classification Criteria Version 2. Collection method: clinical testing. Allele origin: germline. Affected: yes. Observed: 1 variant allele.
Comment: ZNF469: BP4, BP7

Ambry Genetics
Classification: Likely benign for Cardiovascular phenotype. Last evaluated: 2021-03-17. Review status: criteria provided, single submitter. Criteria: Ambry Variant Classification Scheme 2023. Collection method: clinical testing. Allele origin: germline.

PreventionGenetics, part of Exact Sciences
Classification: Likely benign for ZNF469-related condition. Last evaluated: 2024-07-03. Review status: no assertion criteria provided. Collection method: clinical testing. Allele origin: germline. Not counted in ClinVar's aggregate classification.
Comment: This variant is classified as likely benign based on ACMG/AMP sequence variant interpretation guidelines (Richards et al. 2015 PMID: 25741868, with internal and published modifications).

NM_001367624.2(ZNF469):c.936G>A (p.Ala312=)

Gene: ZNF469 (zinc finger protein 469; plus strand). Cytogenetic location: 16q24.2.
Variant type: single nucleotide variant.
Coding change: c.936G>A on transcript NM_001367624.2 (MANE Select); coding-DNA position 936, G replaced by A.
Protein change: p.Ala312=; no amino-acid change (alanine 312 retained).
Molecular consequence: synonymous variant.
Genome position (GRCh38, 1-based): chr16:88,428,406, G>A. VCF-style: chr16-88428406-G-A. GRCh37 (hg19) VCF-style: chr16-88494814-G-A.
Other names: NM_001127464.1:c.936G>A; NM_001127464.2:c.936G>A.
Identifiers: ClinVar variation 1766706 (VCV001766706.21), dbSNP rs769026765, ClinGen allele CA8224637.
Genomic context (GRCh38, chr16:88,428,406, plus strand): 5'-GGCTGGGCACGCATTCACCAATGGGCCACTGGTGTTTGCCTTCCATCAGCCCCAGGGAGC[G>A]TGGCCGGAGGAGGCCGTGGGCACGGGCCCTGCCTACCCGCTGCCCACCCAGCCTGCGCCC-3'
Protein context (NP_001354553.1, residues 302-322): LVFAFHQPQG[Ala312=]WPEEAVGTGP